The following is an entry in ClinVar:

NM_001257180.2(SLC20A2):c.1765G>A (p.Gly589Arg)

Gene: SLC20A2 (solute carrier family 20 member 2; minus strand). Cytogenetic location: 8p11.21.
Variant type: single nucleotide variant.
Coding change: c.1765G>A on transcript NM_001257180.2 (MANE Select); coding-DNA position 1765, G replaced by A.
Protein change: p.Gly589Arg; replaces glycine 589 with arginine.
Molecular consequence: missense variant.
Genome position (GRCh38, 1-based): chr8:42,428,787, C>T on the plus strand (G>A on the coding strand, the complement: SLC20A2 is on the minus strand). VCF-style: chr8-42428787-C-T. GRCh37 (hg19) VCF-style: chr8-42286305-C-T.
Other names: c.1765G>A, p.Gly589Arg (NM_001257181.2, NM_006749.5); short protein forms G589R.
Identifiers: ClinVar variation 1308480 (VCV001308480.2), dbSNP rs1238139011, ClinGen allele CA371095025.
Genomic context (GRCh38, chr8:42,428,787, plus strand): 5'-GGGGAAGGGCTCCCGGCTAGCAGGGGCCTACCTTACAGTGCGTGGTGCTGACTGGAAGCC[C>T]GATGTTGGAGGCGATCACCACTGTGAAGGCTGAGGCCAGCTCGATCGTGAAGCCGCTGTG-3'
Protein context (NP_001244109.1, residues 579-599): AFTVVIASNI[Gly589Arg]LPVSTTHCKV

ClinVar aggregate classification (germline): Uncertain significance (1 of 4 stars; one submission).

Allele frequency attached by ClinVar (database versions not stated): gnomAD exomes below 0.00001.
gnomAD v4.1: 2 of 1,611,156 alleles (0.00012%); highest among the groups gnomAD compares: South Asian, 0.0011%; no homozygotes.

Submission:

GeneDx
Classification: Uncertain significance. Last evaluated: 2020-04-02. Review status: criteria provided, single submitter. Criteria: GeneDx Variant Classification Process June 2021. Collection method: clinical testing. Allele origin: germline. Affected: yes.
Comment: Reported previously as a variant of uncertain significance in the heterozygous state in a patient with brain calcifications and dementia (Ramos et al., 2018); Not observed at a significant frequency in large population cohorts (Lek et al., 2016); In silico analysis supports that this missense variant has a deleterious effect on protein structure/function; This variant is associated with the following publications: (PMID: 29955172, 31003906)